The following is an entry in ClinVar:

NM_000257.4(MYH7):c.5378T>C (p.Leu1793Pro)

Gene: MYH7 (myosin heavy chain 7; minus strand). Cytogenetic location: 14q11.2.
Variant type: single nucleotide variant.
Coding change: c.5378T>C on transcript NM_000257.4 (MANE Select); coding-DNA position 5378, T replaced by C.
Protein change: p.Leu1793Pro; replaces leucine 1793 with proline.
Molecular consequence: missense variant.
Genome position (GRCh38, 1-based): chr14:23,415,176, A>G on the plus strand (T>C on the coding strand, the complement: MYH7 is on the minus strand). VCF-style: chr14-23415176-A-G. GRCh37 (hg19) VCF-style: chr14-23884385-A-G.
Other names: p.L1793P:CTG>CCG; c.5378T>C, p.Leu1793Pro (LRG_384t1); short protein forms L1793P.
Identifiers: ClinVar variation 14123 (VCV000014123.20), dbSNP rs121913654, ClinGen allele CA016023.

ClinVar aggregate classification (germline): Pathogenic/Likely pathogenic. Review status: criteria provided, multiple submitters, no conflicts (2 of 4 stars). 7 submissions from 5 submitters: Pathogenic (2); Likely pathogenic (2). 3 of the submissions do not count toward it. Last evaluated 2021-02-02.

Conditions:
Myosin storage myopathy (CMYO7A). Also called: MYOPATHY WITH LYSIS OF TYPE I MYOFIBRILS; Scapuloperoneal myopathy, MYH7-related; MYH7-related late-onset scapuloperoneal muscular dystrophy; Congenital myopathy 7A, myosin storage, autosomal dominant; MYOPATHY, HYALINE BODY, AUTOSOMAL DOMINANT; SCAPULOPERONEAL MUSCULAR DYSTROPHY. Identifiers: Orphanet 437572, Orphanet 636965, MedGen C1842160, MONDO:0008409, OMIM 608358.
Hypertrophic cardiomyopathy 1 (CMH1). Also called: Familial hypertrophic cardiomyopathy 1; MYH7-Related Familial Hypertrophic Cardiomyopathy. Identifiers: MedGen C3495498, MONDO:0008647, OMIM 192600.
Left ventricular noncompaction 5 (LVNC5). Identifiers: MedGen C3150690, MONDO:0800351.
Hypertrophic cardiomyopathy. Also called: HYPERTROPHIC MYOCARDIOPATHY. Identifiers: Orphanet 217569, MedGen C0007194, MeSH D002312, MONDO:0005045, HP:0001639.

Submissions (7):

GeneDx
Classification: Likely pathogenic. Last evaluated: 2021-02-02. Review status: criteria provided, single submitter. Criteria: GeneDx Variant Classification Process June 2021. Collection method: clinical testing. Allele origin: germline. Affected: yes.
Comment: Not observed in large population cohorts (Lek et al., 2016); In silico analysis supports that this missense variant has a deleterious effect on protein structure/function; This variant is associated with the following publications: (PMID: 19138847, 28125727, 19336582, 28973424, 16684601)

Revvity Omics, Revvity
Classification: Pathogenic. Last evaluated: 2021-01-27. Review status: criteria provided, single submitter. Criteria: ACMG Guidelines, 2015. Collection method: clinical testing. Allele origin: germline.

Labcorp Genetics (formerly Invitae), Labcorp
Classification: Pathogenic for Hypertrophic cardiomyopathy. Last evaluated: 2019-09-30. Review status: criteria provided, single submitter. Criteria: Invitae Variant Classification Sherloc (09022015). Collection method: clinical testing. Allele origin: germline.
Comment: For these reasons, this variant has been classified as Pathogenic. This variant disrupts the p.Leu1793 amino acid residue in MYH7. Other variant(s) that disrupt this residue have been observed in individuals with MYH7-related conditions (PMID: 24664454), which suggests that this may be a clinically significant amino acid residue. This variant has been reported to have conflicting or insufficient data to determine the effect on MYH7 protein function (PMID: 28125727, 19336582, 28973424). This variant has been observed in individuals affected with MYH7-related conditions (PMID: 16684601, 19138847, Invitae). In at least one individual the variant was observed to be de novo. ClinVar contains an entry for this variant (Variation ID: 14123). This variant is not present in population databases (ExAC no frequency). This sequence change replaces leucine with proline at codon 1793 of the MYH7 protein (p.Leu1793Pro). The leucine residue is highly conserved and there is a moderate physicochemical difference between leucine and proline.

Stanford Center for Inherited Cardiovascular Disease, Stanford University
Classification: Likely pathogenic. Last evaluated: 2014-10-08. Review status: criteria provided, single submitter. Criteria: ACMG Guidelines, 2015. Collection method: provider interpretation. Allele origin: germline.

OMIM
Classification: Pathogenic for CONGENITAL MYOPATHY 7A, MYOSIN STORAGE, AUTOSOMAL DOMINANT. Last evaluated: 2009-04-14. Review status: no assertion criteria provided. Collection method: literature only. Allele origin: germline. Not counted in ClinVar's aggregate classification.

OMIM
Classification: Pathogenic for CARDIOMYOPATHY, FAMILIAL HYPERTROPHIC, 1. Last evaluated: 2009-04-14. Review status: no assertion criteria provided. Collection method: literature only. Allele origin: germline. Not counted in ClinVar's aggregate classification.

OMIM
Classification: Pathogenic for LEFT VENTRICULAR NONCOMPACTION 5. Last evaluated: 2009-04-14. Review status: no assertion criteria provided. Collection method: literature only. Allele origin: germline. Not counted in ClinVar's aggregate classification.

Literature cited by the submitters: PubMed 24664454 (cited by Labcorp Genetics (formerly Invitae), Labcorp); PubMed 28125727 (cited by Labcorp Genetics (formerly Invitae), Labcorp); PubMed 19336582 (cited by Labcorp Genetics (formerly Invitae), Labcorp and OMIM); PubMed 28973424 (cited by Labcorp Genetics (formerly Invitae), Labcorp); PubMed 16684601 (cited by Labcorp Genetics (formerly Invitae), Labcorp and OMIM); PubMed 19138847 (cited by Labcorp Genetics (formerly Invitae), Labcorp and OMIM); PubMed 4104682 (cited by OMIM).